The following is an entry in ClinVar:

ClinVar aggregate classification (germline): Uncertain significance. Review status: criteria provided, multiple submitters, no conflicts (2 of 4 stars). 5 submissions from 5 submitters: Uncertain significance (5). Last evaluated 2025-07-14.

Conditions:
Inborn genetic diseases. Identifiers: MedGen C0950123, MeSH D030342.
RYR1-related disorder. Also called: RYR1-related disorders; RYR1-related condition. Identifiers: MedGen CN239331.
Malignant hyperthermia, susceptibility to, 1 (MHS1). Also called: RYR1-Related Malignant Hyperthermia Susceptibility; Anesthesia related hyperthermia; Malignant hyperpyrexia; Fulminating hyperpyrexia; Pharmacogenic myopathy; Malignant hyperthermia suceptibility 1. Identifiers: Orphanet 423, MedGen C2930980, MONDO:0007783, OMIM 145600.

Allele frequency attached by ClinVar (database versions not stated): gnomAD exomes below 0.00001 and 0.00001; gnomAD 0.00001; TOPMed 0.00001.
gnomAD v4.1: 15 of 1,614,022 alleles (0.00093%); highest among the groups gnomAD compares: Non-Finnish European, 0.0012%; no homozygotes.

Submissions (5):

Color Diagnostics, LLC DBA Color Health
Classification: Uncertain significance for Malignant hyperthermia, susceptibility to, 1. Last evaluated: 2025-07-14. Review status: criteria provided, single submitter. Criteria: ACMG Guidelines, 2015. Collection method: clinical testing. Allele origin: germline.
Comment: This missense variant replaces serine with asparagine at codon 4636 of the RYR1 protein. Computational prediction suggests that this variant may have deleterious impact on protein structure and function. To our knowledge, functional studies have not been reported for this variant. This variant has not been reported in individuals affected with RYR1-related disorders in the literature. This variant has been identified in 1/251478 chromosomes in the general population by the Genome Aggregation Database (gnomAD). The available evidence is insufficient to determine the role of this variant in disease conclusively. Therefore, this variant is classified as a Variant of Uncertain Significance.

Ambry Genetics
Classification: Uncertain significance for Inborn genetic diseases. Last evaluated: 2024-12-11. Review status: criteria provided, single submitter. Criteria: Ambry Variant Classification Scheme 2023. Collection method: clinical testing. Allele origin: germline.

All of Us Research Program, National Institutes of Health
Classification: Uncertain significance for Malignant hyperthermia, susceptibility to, 1. Last evaluated: 2023-10-02. Review status: criteria provided, single submitter. Criteria: ACMG Guidelines, 2015. Collection method: clinical testing. Allele origin: germline. Inheritance: Autosomal dominant inheritance. Observed: 3 variant alleles, 3 heterozygotes.
Comment: This missense variant replaces serine with asparagine at codon 4636 of the RYR1 protein. Computational prediction suggests that this variant may have deleterious impact on protein structure and function (internally defined REVEL score threshold >= 0.7, PMID: 27666373). To our knowledge, functional studies have not been reported for this variant. This variant has not been reported in individuals affected with RYR1-related disorders in the literature. This variant has been identified in 1/251478 chromosomes in the general population by the Genome Aggregation Database (gnomAD). The available evidence is insufficient to determine the role of this variant in disease conclusively. Therefore, this variant is classified as a Variant of Uncertain Significance.

This study involves interpretation of variants in research participants for the purpose of population health screening. Participant phenotype was not available at the time of variant classification. Additional details can be found in publication PMID: 35346344, PMCID: PMC8962531

Labcorp Genetics (formerly Invitae), Labcorp
Classification: Uncertain significance for RYR1-related disorder. Last evaluated: 2022-07-12. Review status: criteria provided, single submitter. Criteria: Invitae Variant Classification Sherloc (09022015). Collection method: clinical testing. Allele origin: germline.
Comment: This sequence change replaces serine, which is neutral and polar, with asparagine, which is neutral and polar, at codon 4636 of the RYR1 protein (p.Ser4636Asn). This variant is present in population databases (no rsID available, gnomAD 0.0009%). This variant has not been reported in the literature in individuals affected with RYR1-related conditions. ClinVar contains an entry for this variant (Variation ID: 1059319). Advanced modeling of protein sequence and biophysical properties (such as structural, functional, and spatial information, amino acid conservation, physicochemical variation, residue mobility, and thermodynamic stability) performed at Invitae indicates that this missense variant is not expected to disrupt RYR1 protein function. In summary, the available evidence is currently insufficient to determine the role of this variant in disease. Therefore, it has been classified as a Variant of Uncertain Significance.

GeneDx
Classification: Uncertain significance. Last evaluated: 2020-02-03. Review status: criteria provided, single submitter. Criteria: GeneDx Variant Classification Process June 2021. Collection method: clinical testing. Allele origin: germline. Affected: yes.
Comment: Not observed at a significant frequency in large population cohorts (Lek et al., 2016); In silico analysis supports that this missense variant does not alter protein structure/function; Has not been previously published as pathogenic or benign to our knowledge

NM_000540.3(RYR1):c.13907G>A (p.Ser4636Asn)

Gene: RYR1 (ryanodine receptor 1; plus strand). Cytogenetic location: 19q13.2.
Variant type: single nucleotide variant.
Coding change: c.13907G>A on transcript NM_000540.3 (MANE Select); coding-DNA position 13907, G replaced by A.
Protein change: p.Ser4636Asn; replaces serine 4636 with asparagine.
Molecular consequence: missense variant.
Genome position (GRCh38, 1-based): chr19:38,572,179, G>A. VCF-style: chr19-38572179-G-A. GRCh37 (hg19) VCF-style: chr19-39062819-G-A.
Other names: c.13892G>A, p.Ser4631Asn (NM_001042723.2); short protein forms S4631N, S4636N.
Identifiers: ClinVar variation 1059319 (VCV001059319.10), dbSNP rs893897931, ClinGen allele CA308114119.
Genomic context (GRCh38, chr19:38,572,179, plus strand): 5'-CCGGAGAGGAGGCAGAGGGCGATGAGGATGAGAACATGGTGTACTACTTCCTGGAGGAAA[G>A]CACAGGCTACATGGAACCCGCCCTGCGGTGTCTGAGCCTCCTGCATACACTGGTGGCCTT-3'
Protein context (NP_000531.2, residues 4626-4646): ENMVYYFLEE[Ser4636Asn]TGYMEPALRC